The following is an entry in ClinVar:

NM_000501.4(ELN):c.599C>G (p.Pro200Arg)

Gene: ELN (elastin; plus strand). Cytogenetic location: 7q11.23.
Variant type: single nucleotide variant.
Coding change: c.599C>G on transcript NM_000501.4 (MANE Select); coding-DNA position 599, C replaced by G.
Protein change: p.Pro200Arg; replaces proline 200 with arginine.
Molecular consequence: missense variant.
Genome position (GRCh38, 1-based): chr7:74,046,723, C>G. VCF-style: chr7-74046723-C-G. GRCh37 (hg19) VCF-style: chr7-73461053-C-G.
Other names: c.569C>G, p.Pro190Arg (NM_001081752.3, NM_001278917.2); c.614C>G, p.Pro205Arg (NM_001081753.3, NM_001081754.3); c.599C>G, p.Pro200Arg (NM_001081755.3, NM_001278912.2, NM_001278915.2 and 2 more transcripts); c.533C>G, p.Pro178Arg (NM_001278913.2); c.584C>G, p.Pro195Arg (NM_001278914.2); c.467C>G, p.Pro156Arg (NM_001278918.2); short protein forms P178R, P190R, P195R, P200R, P205R, P156R.
Identifiers: ClinVar variation 4706375 (VCV004706375.1).

ClinVar aggregate classification (germline): Uncertain significance (1 of 4 stars; one submission).

Conditions:
Supravalvar aortic stenosis (SVAS). Also called: Supravalvar aortic stenosis, Eisenberg type. Identifiers: Orphanet 3193, MedGen C0003499, MONDO:0008504, OMIM 185500, HP:0004381.

gnomAD v4.1: 4 of 1,614,214 alleles (0.00025%); highest among the groups gnomAD compares: Non-Finnish European, 0.00017%; no homozygotes.

Submission:

Labcorp Genetics (formerly Invitae), Labcorp
Classification: Uncertain significance for Supravalvar aortic stenosis. Last evaluated: 2025-09-21. Review status: criteria provided, single submitter. Criteria: Invitae Variant Classification Sherloc (09022015). Collection method: clinical testing. Allele origin: germline.
Comment: This sequence change replaces proline, which is neutral and non-polar, with arginine, which is basic and polar, at codon 200 of the ELN protein (p.Pro200Arg). This variant is not present in population databases (gnomAD no frequency). This variant has not been reported in the literature in individuals affected with ELN-related conditions. Invitae Evidence Modeling of protein sequence and biophysical properties (such as structural, functional, and spatial information, amino acid conservation, physicochemical variation, residue mobility, and thermodynamic stability) indicates that this missense variant is not expected to disrupt ELN protein function with a negative predictive value of 80%. In summary, the available evidence is currently insufficient to determine the role of this variant in disease. Therefore, it has been classified as a Variant of Uncertain Significance.